The following is an entry in ClinVar:

NM_022168.4(IFIH1):c.418G>A (p.Glu140Lys)

Gene: IFIH1 (interferon induced with helicase C domain 1; minus strand). Cytogenetic location: 2q24.2.
Variant type: single nucleotide variant.
Coding change: c.418G>A on transcript NM_022168.4 (MANE Select); coding-DNA position 418, G replaced by A.
Protein change: p.Glu140Lys; replaces glutamic acid 140 with lysine.
Molecular consequence: missense variant.
Genome position (GRCh38, 1-based): chr2:162,317,890, C>T on the plus strand (G>A on the coding strand, the complement: IFIH1 is on the minus strand). VCF-style: chr2-162317890-C-T. GRCh37 (hg19) VCF-style: chr2-163174400-C-T.
Other names: c.418G>A, p.Glu140Lys (LRG_1235t1); short protein forms E140K.
Identifiers: ClinVar variation 474958 (VCV000474958.8), dbSNP rs766508793, ClinGen allele CA1934832.

ClinVar aggregate classification (germline): Uncertain significance (1 of 4 stars; one submission).

Conditions:
Aicardi-Goutieres syndrome 7 (AGS7). Identifiers: Orphanet 51, MedGen C3888244, MONDO:0014367, OMIM 615846.
Singleton-Merten syndrome 1 (SGMRT1). Also called: Widened medullary cavities of bone, aortic calcification, abnormal dentition, and muscular weakness; Syndrome of widened medullary cavities of the metacarpals and phalanges, aortic calcification and abnormal dentition. Identifiers: Orphanet 85191, MedGen C4225427, MONDO:0024535, OMIM 182250.

Allele frequency attached by ClinVar (database versions not stated): ExAC 0.00001; gnomAD exomes 0.00001; TOPMed 0.00002; gnomAD 0.00006.

Submission:

Labcorp Genetics (formerly Invitae), Labcorp
Classification: Uncertain significance for Aicardi-Goutieres syndrome 7; Singleton-Merten syndrome 1. Last evaluated: 2025-11-19. Review status: criteria provided, single submitter. Criteria: Invitae Variant Classification Sherloc (09022015). Collection method: clinical testing. Allele origin: germline.
Comment: This sequence change replaces glutamic acid, which is acidic and polar, with lysine, which is basic and polar, at codon 140 of the IFIH1 protein (p.Glu140Lys). This variant is present in population databases (rs766508793, gnomAD 0.003%). This variant has not been reported in the literature in individuals affected with IFIH1-related conditions. ClinVar contains an entry for this variant (Variation ID: 474958). Invitae Evidence Modeling of protein sequence and biophysical properties (such as structural, functional, and spatial information, amino acid conservation, physicochemical variation, residue mobility, and thermodynamic stability) has been performed for this missense variant. However, the output from this modeling did not meet the statistical confidence thresholds required to predict the impact of this variant on IFIH1 protein function. In summary, the available evidence is currently insufficient to determine the role of this variant in disease. Therefore, it has been classified as a Variant of Uncertain Significance.